The following is an entry in ClinVar:

NM_003470.3(USP7):c.530C>A (p.Thr177Asn)

Gene: USP7 (ubiquitin specific peptidase 7; minus strand). Cytogenetic location: 16p13.2.
Variant type: single nucleotide variant.
Coding change: c.530C>A on transcript NM_003470.3 (MANE Select); coding-DNA position 530, C replaced by A.
Protein change: p.Thr177Asn; replaces threonine 177 with asparagine.
Molecular consequence: missense variant. On other transcripts: non-coding transcript variant (1).
Genome position (GRCh38, 1-based): chr16:8,920,440, G>T on the plus strand (C>A on the coding strand, the complement: USP7 is on the minus strand). VCF-style: chr16-8920440-G-T. GRCh37 (hg19) VCF-style: chr16-9014297-G-T.
Other names: c.482C>A, p.Thr161Asn (NM_001286457.2); c.233C>A, p.Thr78Asn (NM_001286458.2); c.356C>A, p.Thr119Asn (NM_001321858.2); short protein forms T119N, T161N, T177N, T78N.
Identifiers: ClinVar variation 1701708 (VCV001701708.6), dbSNP rs769192378, ClinGen allele CA7895681.

ClinVar aggregate classification (germline): Uncertain significance. Review status: criteria provided, multiple submitters, no conflicts (2 of 4 stars). 2 submissions from 2 submitters: Uncertain significance (2). Last evaluated 2025-02-10.

Conditions:
Hao-Fountain syndrome (HAFOUS). Identifiers: Orphanet 643549, MedGen C5393908, MONDO:0014805.

Allele frequency attached by ClinVar (database versions not stated): gnomAD exomes 0.00001 and 0.00003; ExAC 0.00003; TOPMed 0.00010.
gnomAD v4.1: 24 of 1,611,428 alleles (0.0015%); highest among the groups gnomAD compares: African/African-American, 0.024%; no homozygotes.

Submissions (2):

Labcorp Genetics (formerly Invitae), Labcorp
Classification: Uncertain significance. Last evaluated: 2025-02-10. Review status: criteria provided, single submitter. Criteria: Invitae Variant Classification Sherloc (09022015). Collection method: clinical testing. Allele origin: germline.
Comment: This sequence change replaces threonine, which is neutral and polar, with asparagine, which is neutral and polar, at codon 177 of the USP7 protein (p.Thr177Asn). This variant is present in population databases (rs769192378, gnomAD 0.02%). This variant has not been reported in the literature in individuals affected with USP7-related conditions. ClinVar contains an entry for this variant (Variation ID: 1701708). An algorithm developed to predict the effect of missense changes on protein structure and function (PolyPhen-2) suggests that this variant is likely to be tolerated. In summary, the available evidence is currently insufficient to determine the role of this variant in disease. Therefore, it has been classified as a Variant of Uncertain Significance.

New York Genome Center
Classification: Uncertain significance for Hao-Fountain syndrome due to USP7 mutation. Last evaluated: 2022-02-05. Review status: criteria provided, single submitter. Criteria: NYGC Assertion Criteria 2020. Collection method: clinical testing. Allele origin: inherited. Observed: 1 heterozygote. Study: CSER-NYCKidSeq.